The following is an entry in ClinVar:

ClinVar aggregate classification (germline): Likely benign (1 of 4 stars; one submission).

Submission:

CeGaT Center for Human Genetics Tuebingen
Classification: Likely benign. Last evaluated: 2025-05-01. Review status: criteria provided, single submitter. Criteria: CeGaT Center For Human Genetics Tuebingen Variant Classification Criteria Version 2. Collection method: clinical testing. Allele origin: germline. Affected: yes. Observed: 1 variant allele.
Comment: BRIP1: PM2:Supporting, BP4, BP7

NM_032043.3(BRIP1):c.2576-2258T>C

Gene: BRIP1 (BRCA1 interacting DNA helicase 1; minus strand). Cytogenetic location: 17q23.2.
Variant type: single nucleotide variant.
Coding change: c.2576-2258T>C on transcript NM_032043.3 (MANE Select); 2258 bases into the intron before coding-DNA position 2576, T replaced by C.
Molecular consequence: intron variant.
Genome position (GRCh38, 1-based): chr17:61,688,423, A>G on the plus strand (T>C on the coding strand, the complement: BRIP1 is on the minus strand). VCF-style: chr17-61688423-A-G. GRCh37 (hg19) VCF-style: chr17-59765784-A-G.
Identifiers: ClinVar variation 3905682 (VCV003905682.10).